The following is an entry in ClinVar:

NM_001252024.2(TRPM1):c.3923A>T (p.Asp1308Val)

Gene: TRPM1 (transient receptor potential cation channel subfamily M member 1; minus strand). Cytogenetic location: 15q13.3.
Variant type: single nucleotide variant.
Coding change: c.3923A>T on transcript NM_001252024.2 (MANE Select); coding-DNA position 3923, A replaced by T.
Protein change: p.Asp1308Val; replaces aspartic acid 1308 with valine.
Molecular consequence: missense variant.
Genome position (GRCh38, 1-based): chr15:31,002,777, T>A on the plus strand (A>T on the coding strand, the complement: TRPM1 is on the minus strand). VCF-style: chr15-31002777-T-A. GRCh37 (hg19) VCF-style: chr15-31294980-T-A.
Other names: c.3974A>T, p.Asp1325Val (NM_001252020.2); c.3857A>T, p.Asp1286Val (NM_002420.6); short protein forms D1286V, D1325V, D1308V.
Identifiers: ClinVar variation 1044865 (VCV001044865.9), dbSNP rs201837886, ClinGen allele CA7451728.

ClinVar aggregate classification (germline): Uncertain significance. Review status: criteria provided, multiple submitters, no conflicts (2 of 4 stars). 2 submissions from 2 submitters: Uncertain significance (2). Last evaluated 2023-09-28.

Allele frequency attached by ClinVar (database versions not stated): gnomAD exomes 0.00001 and 0.00005; gnomAD 0.00002 and 0.00003; TOPMed 0.00002; ExAC 0.00005; 1000 Genomes Project 30x 0.00016; 1000 Genomes Project 0.00020.
gnomAD v4.1: 29 of 1,614,166 alleles (0.0018%); highest among the groups gnomAD compares: Middle Eastern, 0.033%; no homozygotes.

Submissions (2):

Blueprint Genetics
Classification: Uncertain significance. Last evaluated: 2023-09-28. Review status: criteria provided, single submitter. Criteria: ACMG Guidelines, 2015. Collection method: clinical testing. Allele origin: germline.

Labcorp Genetics (formerly Invitae), Labcorp
Classification: Uncertain significance. Last evaluated: 2022-10-17. Review status: criteria provided, single submitter. Criteria: Invitae Variant Classification Sherloc (09022015). Collection method: clinical testing. Allele origin: germline.
Comment: In summary, the available evidence is currently insufficient to determine the role of this variant in disease. Therefore, it has been classified as a Variant of Uncertain Significance. Advanced modeling of protein sequence and biophysical properties (such as structural, functional, and spatial information, amino acid conservation, physicochemical variation, residue mobility, and thermodynamic stability) has been performed at Invitae for this missense variant, however the output from this modeling did not meet the statistical confidence thresholds required to predict the impact of this variant on TRPM1 protein function. ClinVar contains an entry for this variant (Variation ID: 1044865). This variant has not been reported in the literature in individuals affected with TRPM1-related conditions. This variant is present in population databases (rs201837886, gnomAD 0.008%). This sequence change replaces aspartic acid, which is acidic and polar, with valine, which is neutral and non-polar, at codon 1286 of the TRPM1 protein (p.Asp1286Val).